The following is an entry in ClinVar:

ClinVar aggregate classification (germline): Conflicting classifications of pathogenicity. Review status: criteria provided, conflicting classifications (1 of 4 stars). 5 submissions from 5 submitters: Uncertain significance (1); Likely benign (4). Last evaluated 2026-02-01.

Conditions:
Charcot-Marie-Tooth disease type 4. Also called: Charcot-Marie-Tooth disease, type IV; Charcot-Marie-Tooth, Type 4. Identifiers: Orphanet 64749, MedGen C4082197, MONDO:0018995.
Charcot-Marie-Tooth disease type 4B2. Also called: CHARCOT-MARIE-TOOTH DISEASE, DEMYELINATING, TYPE 4B2; Charcot-Marie-Tooth Neuropathy Type 4B2; CHARCOT-MARIE-TOOTH DISEASE, WITH FOCALLY FOLDED MYELIN SHEATHS, AUTOSOMAL RECESSIVE, TYPE 4B2; CMT 4B2. Identifiers: Orphanet 99956, MedGen C1858278, MONDO:0011475, OMIM 604563.
Inborn genetic diseases. Identifiers: MedGen C0950123, MeSH D030342.
SBF2-related disorder. Also called: SBF2-related condition.

Allele frequency attached by ClinVar (database versions not stated): gnomAD exomes 0.00009; ESP Exome Variant Server 0.00023; TOPMed 0.00025.
gnomAD v4.1: 162 of 1,613,958 alleles (0.01%); highest among the groups gnomAD compares: Admixed American, 0.068%; 1 homozygote.

Submissions (5):

CeGaT Center for Human Genetics Tuebingen
Classification: Likely benign. Last evaluated: 2026-02-01. Review status: criteria provided, single submitter. Criteria: CeGaT Center For Human Genetics Tuebingen Variant Classification Criteria Version 2. Collection method: clinical testing. Allele origin: germline. Affected: yes. Observed: 1 variant allele.
Comment: SBF2: BP4, BP7

Labcorp Genetics (formerly Invitae), Labcorp
Classification: Likely benign for Charcot-Marie-Tooth disease type 4. Last evaluated: 2026-01-05. Review status: criteria provided, single submitter. Criteria: Invitae Variant Classification Sherloc (09022015). Collection method: clinical testing. Allele origin: germline.

PreventionGenetics, part of Exact Sciences
Classification: Likely benign for SBF2-related condition. Last evaluated: 2025-12-05. Review status: criteria provided, single submitter. Criteria: ACMG Guidelines, 2015. Collection method: clinical testing. Allele origin: germline.
Comment: This variant is classified as likely benign based on ACMG/AMP sequence variant interpretation guidelines (Richards et al. 2015 PMID: 25741868, with internal and published modifications).

Revvity Omics, Revvity
Classification: Uncertain significance for Charcot-Marie-Tooth disease type 4B2. Last evaluated: 2023-03-08. Review status: criteria provided, single submitter. Criteria: ACMG Guidelines, 2015. Collection method: clinical testing. Allele origin: germline.

Ambry Genetics
Classification: Likely benign for Inborn genetic diseases. Last evaluated: 2019-07-11. Review status: criteria provided, single submitter. Criteria: Ambry Variant Classification Scheme 2023. Collection method: clinical testing. Allele origin: germline.

NM_030962.4(SBF2):c.3888G>A (p.Ser1296=)

Gene: SBF2 (SET binding factor 2; minus strand). Cytogenetic location: 11p15.4.
Variant type: single nucleotide variant.
Coding change: c.3888G>A on transcript NM_030962.4 (MANE Select); coding-DNA position 3888, G replaced by A.
Protein change: p.Ser1296=; no amino-acid change (serine 1296 retained).
Molecular consequence: synonymous variant.
Genome position (GRCh38, 1-based): chr11:9,816,930, C>T on the plus strand (G>A on the coding strand, the complement: SBF2 is on the minus strand). VCF-style: chr11-9816930-C-T. GRCh37 (hg19) VCF-style: chr11-9838477-C-T.
Other names: c.3984G>A, p.Ser1328= (NM_001386339.1); c.3759G>A, p.Ser1253= (NM_001386342.1).
Identifiers: ClinVar variation 476928 (VCV000476928.21), dbSNP rs375669985, ClinGen allele CA5881111.